The following is an entry in ClinVar:

NM_000719.7(CACNA1C):c.5445-584A>G

Genes: CACNA1C (calcium voltage-gated channel subunit alpha1 C; plus strand), CACNA1C-AS1 (CACNA1C antisense RNA 1; minus strand). Cytogenetic location: 12p13.33.
Variant type: single nucleotide variant.
Coding change: c.5445-584A>G on transcript NM_000719.7 (MANE Select); 584 bases into the intron before coding-DNA position 5445, A replaced by G.
Molecular consequence: intron variant. On other transcripts: missense variant (3).
Genome position (GRCh38, 1-based): chr12:2,681,966, A>G. VCF-style: chr12-2681966-A-G. GRCh37 (hg19) VCF-style: chr12-2791132-A-G.
Other names: p.M1821V:ATG>GTG; c.5461A>G, p.Met1821Val (NM_001129830.3, NM_001167624.3); c.5605A>G, p.Met1869Val (NM_199460.4); c.5445-584A>G (NM_001167623.2, NM_001129840.2, NM_001129842.2 and 2 more transcripts); c.5625-584A>G (NM_001167625.2); c.5589-584A>G (NM_001129827.2); c.5505-584A>G (NM_001129832.2); c.5529-584A>G (NM_001129831.2); and 7 more; short protein forms M1821V, M1869V.
Identifiers: ClinVar variation 136639 (VCV000136639.9), dbSNP rs10774053, ClinGen allele CA289914.

ClinVar aggregate classification (germline): Benign. Review status: criteria provided, multiple submitters, no conflicts (2 of 4 stars). 8 submissions from 8 submitters: Benign (6). 2 of the submissions do not count toward it. Last evaluated 2025-07-17.

Conditions:
Long QT syndrome (LQTS). Identifiers: MedGen C0023976, MeSH D008133, MONDO:0002442. Disease mechanism: loss of function. Inheritance: Various modes of inheritance.
Timothy syndrome (TS). Also called: LONG QT SYNDROME WITH SYNDACTYLY. Identifiers: Orphanet 65283, MedGen C1832916, MeSH C536962, MONDO:0010979, OMIM 601005.

Allele frequency attached by ClinVar (database versions not stated): 1000 Genomes Project 0.77057; 1000 Genomes Project 30x 0.77655; TOPMed 0.79621; gnomAD 0.80326 and 0.80382; ESP Exome Variant Server 0.81961.
gnomAD v4.1: 1,310,462 of 1,598,268 alleles (82%); highest among the groups gnomAD compares: South Asian, 86%; 539,546 homozygotes.

Submissions (8):

Labcorp Genetics (formerly Invitae), Labcorp
Classification: Benign for Long QT syndrome. Last evaluated: 2025-07-17. Review status: criteria provided, single submitter. Criteria: Invitae Variant Classification Sherloc (09022015). Collection method: clinical testing. Allele origin: germline.

Blueprint Genetics
Classification: Benign. Last evaluated: 2024-11-27. Review status: criteria provided, single submitter. Criteria: ACMG Guidelines, 2015. Collection method: clinical testing. Allele origin: germline.

Genome-Nilou Lab
Classification: Benign for Timothy syndrome. Last evaluated: 2021-07-14. Review status: criteria provided, single submitter. Criteria: ACMG Guidelines, 2015. Collection method: clinical testing. Allele origin: germline. Affected: no.

Biesecker Lab/Clinical Genomics Section, National Institutes of Health
Classification: Benign. Last evaluated: 2013-06-24. Review status: criteria provided, single submitter. Criteria: Ng et al. (Circ Cardiovasc Genet. 2013). Collection method: research. Allele origin: unknown. Observed: 447 variant alleles. Study: ClinSeq.
Comment: The study set was not selected for affection status in relation to any cancer. Pathogenicity categories were based on literature curation. See Pubmed ID:23861362 for details.

Medical sequencing

GeneDx
Classification: Benign. Last evaluated: 2011-07-14. Review status: criteria provided, single submitter. Criteria: GeneDx Variant Classification (06012015). Collection method: clinical testing. Allele origin: germline. Affected: yes.
Comment: This variant is considered likely benign or benign based on one or more of the following criteria: it is a conservative change, it occurs at a poorly conserved position in the protein, it is predicted to be benign by multiple in silico algorithms, and/or has population frequency not consistent with disease.

Breakthrough Genomics
Classification: Benign. Review status: criteria provided, single submitter. Criteria: ACMG Guidelines, 2015. Collection method: not provided. Allele origin: germline. Inheritance: Autosomal dominant inheritance. Affected: yes.

Clinical Genetics, Academic Medical Center
Classification: Benign. Review status: no assertion criteria provided. Collection method: clinical testing. Allele origin: germline. Affected: yes. Study: VKGL Data-share Consensus. Not counted in ClinVar's aggregate classification.

Diagnostic Laboratory, Department of Genetics, University Medical Center Groningen
Classification: Benign. Review status: no assertion criteria provided. Collection method: clinical testing. Allele origin: germline. Affected: yes. Study: VKGL Data-share Consensus. Not counted in ClinVar's aggregate classification.